The following is an entry in ClinVar:

NM_001130987.2(DYSF):c.3813_3822del (p.Arg1272fs)

Gene: DYSF (dysferlin; plus strand). Cytogenetic location: 2p13.2.
Variant type: Deletion.
Coding change: c.3813_3822del on transcript NM_001130987.2 (MANE Select); coding-DNA positions 3813 to 3822, 10 bases deleted (ACGGCTGGCC; older notation c.3813_3822delACGGCTGGCC).
Protein change: p.Arg1272fs; shifts the reading frame from arginine 1272.
Molecular consequence: frameshift variant.
Genome position (GRCh38, 1-based): chr2:71,600,758-71,600,767, ACGGCTGGCC deleted; deleting any 10 consecutive bases within chr2:71,600,755-71,600,767 gives the same sequence; the c. name uses the placement nearest the transcript's 3' end. VCF-style (leftmost placement, unchanged base first): chr2-71600754-TGCCACGGCTG-T. GRCh37 (hg19) VCF-style: chr2-71827884-TGCCACGGCTG-T.
Other names: c.3762_3771del, p.Arg1255fs (NM_001130455.2, NM_001130983.2); c.3717_3726del, p.Arg1240fs (NM_001130976.2, NM_001130977.2); c.3759_3768del, p.Arg1254fs (NM_001130978.2, NM_003494.4); c.3852_3861del, p.Arg1285fs (NM_001130979.2); c.3810_3819del, p.Arg1271fs (NM_001130980.2, NM_001130981.2); c.3855_3864del, p.Arg1286fs (NM_001130982.2); c.3720_3729del, p.Arg1241fs (NM_001130984.2, NM_001130986.2); c.3813_3822del, p.Arg1272fs (NM_001130985.2); short protein forms R1240fs, R1241fs, R1254fs, R1255fs, R1271fs, R1272fs, R1285fs, R1286fs.
Identifiers: ClinVar variation 5014855 (VCV005014855.1), dbSNP rs2152858821.

ClinVar aggregate classification (germline): Pathogenic (1 of 4 stars; one submission).

Conditions:
Autosomal recessive limb-girdle muscular dystrophy. Identifiers: Orphanet 102015, MedGen C2931907, MONDO:0015152.

Submission:

Myriad Genetics, Inc.
Classification: Pathogenic for Autosomal recessive limb-girdle muscular dystrophy. Last evaluated: 2025-08-12. Review status: criteria provided, single submitter. Criteria: Myriad Autosomal Dominant, Autosomal Recessive and X-Linked Classification Criteria (2023). Collection method: clinical testing. Allele origin: unknown.
Comment: NM_003494.3(DYSF):c.3759_3768del10(R1254Gfs*4) is expected to be pathogenic in the context of dysferlinopathy. This variant is predicted to lead to an abnormal or absent protein product due to the creation of a premature termination codon in DYSF, a gene where loss-of-function variants are known to be pathogenic. Please note: this variant was assessed in the context of healthy population screening.